The following is an entry in ClinVar:

ClinVar aggregate classification (germline): Uncertain significance. Review status: criteria provided, multiple submitters, no conflicts (2 of 4 stars). 2 submissions from 2 submitters: Uncertain significance (2). Last evaluated 2023-08-30.

Conditions:
Cerebellar dysfunction with variable cognitive and behavioral abnormalities (CECBA). Also called: Nonprogressive cerebellar atxia with intellectual disability. Identifiers: Orphanet 314647, MedGen C3553661, MONDO:0013886, OMIM 614756.

Allele frequency attached by ClinVar (database versions not stated): gnomAD below 0.00001 and 0.00001; gnomAD exomes 0.00001 and 0.00002; TOPMed 0.00001; ExAC 0.00002.
gnomAD v4.1: 18 of 1,610,686 alleles (0.0011%); highest among the groups gnomAD compares: South Asian, 0.0033%; no homozygotes.

Submissions (2):

Labcorp Genetics (formerly Invitae), Labcorp
Classification: Uncertain significance. Last evaluated: 2023-08-30. Review status: criteria provided, single submitter. Criteria: Invitae Variant Classification Sherloc (09022015). Collection method: clinical testing. Allele origin: germline.
Comment: This variant is present in population databases (rs756980317, gnomAD 0.003%). This variant has not been reported in the literature in individuals affected with CAMTA1-related conditions. ClinVar contains an entry for this variant (Variation ID: 977383). Algorithms developed to predict the effect of missense changes on protein structure and function output the following: SIFT: "Not Available"; PolyPhen-2: "Benign"; Align-GVGD: "Not Available". The glutamine amino acid residue is found in multiple mammalian species, which suggests that this missense change does not adversely affect protein function. In summary, the available evidence is currently insufficient to determine the role of this variant in disease. Therefore, it has been classified as a Variant of Uncertain Significance. This sequence change replaces arginine, which is basic and polar, with glutamine, which is neutral and polar, at codon 1544 of the CAMTA1 protein (p.Arg1544Gln).

New York Genome Center
Classification: Uncertain significance for Cerebellar dysfunction with variable cognitive and behavioral abnormalities. Last evaluated: 2020-03-24. Review status: criteria provided, single submitter. Criteria: NYGC Assertion Criteria 2020. Collection method: clinical testing. Allele origin: germline. Observed: 1 heterozygote. Study: CSER-NYCKidSeq.
Comment: The heterozygous p.Arg1544Gln missense variant has not been reported in affected individuals in the literature.It has 0.000020 allele frequency in the gnomAD database (5 out of 248,414 heterozygous alleles) indicating it is a rare allele in the general population. In silico prediction tools provide conflicting interpretations about pathogenicity of this variant. Based on the available evidence, the p.Arg1544Gln variant in the CAMTA1 gene is classified as a variant of uncertain significance.

NM_015215.4(CAMTA1):c.4631G>A (p.Arg1544Gln)

Gene: CAMTA1 (calmodulin binding transcription activator 1; plus strand). Cytogenetic location: 1p36.23.
Variant type: single nucleotide variant.
Coding change: c.4631G>A on transcript NM_015215.4 (MANE Select); coding-DNA position 4631, G replaced by A.
Protein change: p.Arg1544Gln; replaces arginine 1544 with glutamine.
Molecular consequence: missense variant.
Genome position (GRCh38, 1-based): chr1:7,747,723, G>A. VCF-style: chr1-7747723-G-A. GRCh37 (hg19) VCF-style: chr1-7807783-G-A.
Other names: c.4541G>A, p.Arg1514Gln (NM_001349608.2); c.4292G>A, p.Arg1431Gln (NM_001349609.2, NM_001349610.2); c.4202G>A, p.Arg1401Gln (NM_001349612.2); c.1760G>A, p.Arg587Gln (NM_001349613.1); c.1703G>A, p.Arg568Gln (NM_001349614.1, NM_001349615.2, NM_001349616.2 and 2 more transcripts); c.1364G>A, p.Arg455Gln (NM_001349619.2, NM_001349620.1, NM_001349621.1 and 5 more transcripts); short protein forms R1401Q, R1431Q, R1514Q, R1544Q, R455Q, R568Q, R587Q.
Identifiers: ClinVar variation 977383 (VCV000977383.8), dbSNP rs756980317, ClinGen allele CA567206.